The following is an entry in ClinVar:

ClinVar aggregate classification (germline): Likely benign (0 of 4 stars; one submission).

Conditions:
TRIO-related disorder. Also called: TRIO-related disorders; TRIO-related condition.

Allele frequency attached by ClinVar (database versions not stated): gnomAD exomes below 0.00001; TOPMed below 0.00001; gnomAD 0.00001; ExAC 0.00002.
gnomAD v4.1: 4 of 1,613,672 alleles (0.00025%); highest among the groups gnomAD compares: Admixed American, 0.0017%; no homozygotes.

Submission:

PreventionGenetics, part of Exact Sciences
Classification: Likely benign for TRIO-related condition. Last evaluated: 2024-03-27. Review status: no assertion criteria provided. Collection method: clinical testing. Allele origin: germline.
Comment: This variant is classified as likely benign based on ACMG/AMP sequence variant interpretation guidelines (Richards et al. 2015 PMID: 25741868, with internal and published modifications).

NM_007118.4(TRIO):c.5913-10T>C

Gene: TRIO (trio Rho guanine nucleotide exchange factor; plus strand). Cytogenetic location: 5p15.2.
Variant type: single nucleotide variant.
Coding change: c.5913-10T>C on transcript NM_007118.4 (MANE Select); 10 bases into the intron before coding-DNA position 5913, T replaced by C.
Molecular consequence: intron variant.
Genome position (GRCh38, 1-based): chr5:14,472,582, T>C. VCF-style: chr5-14472582-T-C. GRCh37 (hg19) VCF-style: chr5-14472691-T-C.
Identifiers: ClinVar variation 3058820 (VCV003058820.2), dbSNP rs764715985, ClinGen allele CA3206903.